The following is an entry in ClinVar:

NM_001283009.2(RTEL1):c.612C>T (p.His204=)

Genes: RTEL1 (regulator of telomere elongation helicase 1; plus strand), RTEL1-TNFRSF6B (RTEL1-TNFRSF6B readthrough (NMD candidate); plus strand). Cytogenetic location: 20q13.33.
Variant type: single nucleotide variant.
Coding change: c.612C>T on transcript NM_001283009.2 (MANE Select); coding-DNA position 612, C replaced by T.
Protein change: p.His204=; no amino-acid change (histidine 204 retained).
Molecular consequence: synonymous variant. On other transcripts: non-coding transcript variant (1), 5 prime UTR variant (1).
Genome position (GRCh38, 1-based): chr20:63,666,077, C>T. VCF-style: chr20-63666077-C-T. GRCh37 (hg19) VCF-style: chr20-62297430-C-T.
Other names: p.His204=; c.-58C>T (NM_001283010.1); c.612C>T, p.His204= (NM_016434.4); c.684C>T, p.His228= (NM_032957.5).
Identifiers: ClinVar variation 436562 (VCV000436562.25), dbSNP rs142711955, ClinGen allele CA9964349.

ClinVar aggregate classification (germline): Conflicting classifications of pathogenicity. Review status: criteria provided, conflicting classifications (1 of 4 stars). 9 submissions from 9 submitters: Uncertain significance (1); Likely benign (6). 2 of the submissions do not count toward it. Last evaluated 2026-01-19.

Conditions:
RTEL1-related disorder. Also called: RTEL1-related condition; RTEL1-related disorders.
Dyskeratosis congenita. Identifiers: Orphanet 1775, MedGen C0265965, MONDO:0015780.
Inborn genetic diseases. Identifiers: MedGen C0950123, MeSH D030342.
Pulmonary fibrosis and/or bone marrow failure, Telomere-related, 3. Also called: PULMONARY FIBROSIS AND/OR BONE MARROW FAILURE SYNDROME, TELOMERE-RELATED, 3. Identifiers: Orphanet 2032, MedGen C4225346, MONDO:0014613, OMIM 616373.
Dyskeratosis congenita, autosomal recessive 5 (DKCB5). Identifiers: MedGen C3554656, MONDO:0014076, OMIM 615190.
Dyskeratosis congenita, autosomal dominant 1 (DKCA1). Also called: Dyskeratosis congenita Scoggins type. Identifiers: Orphanet 1775, MedGen C4551974, MONDO:0007485, OMIM 127550. Inheritance: Variable.

Allele frequency attached by ClinVar (database versions not stated): ESP Exome Variant Server 0.00031; gnomAD exomes 0.00031 and 0.00058; gnomAD 0.00035 and 0.00040; ExAC 0.00038; 1000 Genomes Project 0.00040; 1000 Genomes Project 30x 0.00047; TOPMed 0.00074.
gnomAD v4.1: 907 of 1,613,922 alleles (0.056%); highest among the groups gnomAD compares: Admixed American, 0.1%; 2 homozygotes.

Submissions (9):

Labcorp Genetics (formerly Invitae), Labcorp
Classification: Likely benign for Dyskeratosis congenita, autosomal recessive 5; Pulmonary fibrosis and/or bone marrow failure, Telomere-related, 3. Last evaluated: 2026-01-19. Review status: criteria provided, single submitter. Criteria: Invitae Variant Classification Sherloc (09022015). Collection method: clinical testing. Allele origin: germline.

Mayo Clinic Laboratories, Mayo Clinic
Classification: Likely benign. Last evaluated: 2025-10-17. Review status: criteria provided, single submitter. Criteria: ACMG Guidelines, 2015. Collection method: clinical testing. Allele origin: germline. Observed: 1 variant allele.
Comment: BP4, BP7

Blueprint Genetics
Classification: Uncertain significance. Last evaluated: 2024-08-28. Review status: criteria provided, single submitter. Criteria: ACMG Guidelines, 2015. Collection method: clinical testing. Allele origin: germline.

ARUP Laboratories, Molecular Genetics and Genomics, ARUP Laboratories
Classification: Likely benign. Last evaluated: 2024-03-18. Review status: criteria provided, single submitter. Criteria: ARUP Molecular Germline Variant Investigation Process 2024. Collection method: clinical testing. Allele origin: germline.

Ambry Genetics
Classification: Likely benign for Inborn genetic diseases. Last evaluated: 2022-07-10. Review status: criteria provided, single submitter. Criteria: Ambry Variant Classification Scheme 2023. Collection method: clinical testing. Allele origin: germline.

Sema4
Classification: Likely benign for Dyskeratosis congenita. Last evaluated: 2021-03-24. Review status: criteria provided, single submitter. Criteria: Sema4 Curation Guidelines. Collection method: curation. Allele origin: germline.

Genetic Services Laboratory, University of Chicago
Classification: Likely benign. Last evaluated: 2019-12-09. Review status: criteria provided, single submitter. Criteria: ACMG Guidelines, 2015. Collection method: clinical testing. Allele origin: germline. Affected: no.

PreventionGenetics, part of Exact Sciences
Classification: Likely benign for RTEL1-related condition. Last evaluated: 2023-12-06. Review status: no assertion criteria provided. Collection method: clinical testing. Allele origin: germline. Not counted in ClinVar's aggregate classification.
Comment: This variant is classified as likely benign based on ACMG/AMP sequence variant interpretation guidelines (Richards et al. 2015 PMID: 25741868, with internal and published modifications).

Natera, Inc.
Classification: Uncertain significance for Autosomal dominant dyskeratosis congenita. Last evaluated: 2020-06-05. Review status: no assertion criteria provided. Collection method: clinical testing. Allele origin: germline. Not counted in ClinVar's aggregate classification.